The following is an entry in ClinVar:

ClinVar aggregate classification (germline): Uncertain significance (1 of 4 stars; one submission).

Conditions:
Autosomal dominant nocturnal frontal lobe epilepsy 5. Also called: CILIARY DYSKINESIA, PRIMARY, 28, WITHOUT SITUS INVERSUS; CILIARY DYSKINESIA, PRIMARY, 28, WITH SITUS INVERSUS; KCNT1-Related Epilepsy; Epilepsy, nocturnal frontal lobe, 5. Identifiers: Orphanet 98784, MedGen C3554306, MONDO:0014002, OMIM 615005.
Developmental and epileptic encephalopathy, 14 (DEE14). Also called: Early infantile epileptic encephalopathy 14. Identifiers: Orphanet 293181, MedGen C3554195, MONDO:0013989, OMIM 614959.

Submission:

Labcorp Genetics (formerly Invitae), Labcorp
Classification: Uncertain significance for Autosomal dominant nocturnal frontal lobe epilepsy 5; Developmental and epileptic encephalopathy, 14. Last evaluated: 2025-04-21. Review status: criteria provided, single submitter. Criteria: Invitae Variant Classification Sherloc (09022015). Collection method: clinical testing. Allele origin: germline.
Comment: This sequence change replaces glycine, which is neutral and non-polar, with serine, which is neutral and polar, at codon 1095 of the KCNT1 protein (p.Gly1095Ser). This variant is not present in population databases (gnomAD no frequency). This variant has not been reported in the literature in individuals affected with KCNT1-related conditions. Invitae Evidence Modeling of protein sequence and biophysical properties (such as structural, functional, and spatial information, amino acid conservation, physicochemical variation, residue mobility, and thermodynamic stability) indicates that this missense variant is not expected to disrupt KCNT1 protein function with a negative predictive value of 80%. In summary, the available evidence is currently insufficient to determine the role of this variant in disease. Therefore, it has been classified as a Variant of Uncertain Significance.

NM_020822.3(KCNT1):c.3283G>A (p.Gly1095Ser)

Gene: KCNT1 (potassium sodium-activated channel subfamily T member 1; plus strand). Cytogenetic location: 9q34.3.
Variant type: single nucleotide variant.
Coding change: c.3283G>A on transcript NM_020822.3 (MANE Select); coding-DNA position 3283, G replaced by A.
Protein change: p.Gly1095Ser; replaces glycine 1095 with serine.
Molecular consequence: missense variant.
Genome position (GRCh38, 1-based): chr9:135,786,302, G>A. VCF-style: chr9-135786302-G-A. GRCh37 (hg19) VCF-style: chr9-138678148-G-A.
Other names: c.3148G>A, p.Gly1050Ser (NM_001272003.2); short protein forms G1050S, G1095S.
Identifiers: ClinVar variation 4783330 (VCV004783330.1).